The following is an entry in ClinVar:

NM_001368882.1(COL13A1):c.912C>T (p.His304=)

Gene: COL13A1 (collagen type XIII alpha 1 chain; plus strand). Cytogenetic location: 10q22.1.
Variant type: single nucleotide variant.
Coding change: c.912C>T on transcript NM_001368882.1 (MANE Select); coding-DNA position 912, C replaced by T.
Protein change: p.His304=; no amino-acid change (histidine 304 retained).
Molecular consequence: synonymous variant.
Genome position (GRCh38, 1-based): chr10:69,905,813, C>T. VCF-style: chr10-69905813-C-T. GRCh37 (hg19) VCF-style: chr10-71665569-C-T.
Other names: c.942C>T, p.His314= (NM_001130103.2); c.912C>T, p.His304= (NM_001320951.2, NM_001368884.1); c.876C>T, p.His292= (NM_001368883.1, NM_001368885.1, NM_080801.4 and 1 more transcripts); c.312C>T, p.His104= (NM_001368886.1); c.822C>T, p.His274= (NM_001368895.1); c.771C>T, p.His257= (NM_001368896.1, NM_001368898.1, NM_080798.4); c.798C>T, p.His266= (NM_001368897.1); c.885C>T, p.His295= (NM_080800.4); and 2 more.
Identifiers: ClinVar variation 1584523 (VCV001584523.10), dbSNP rs560046143, ClinGen allele CA5534483.

ClinVar aggregate classification (germline): Likely benign. Review status: criteria provided, single submitter (1 of 4 stars). 2 submissions from 2 submitters: Likely benign (1). 1 of the submissions does not count toward it. Last evaluated 2025-07-03.

Conditions:
COL13A1-related disorder. Also called: COL13A1-related condition.

Allele frequency attached by ClinVar (database versions not stated): gnomAD 0.00001 and 0.00003; TOPMed 0.00003; ExAC 0.00005; gnomAD exomes 0.00005; 1000 Genomes Project 0.00020; 1000 Genomes Project 30x 0.00078.
gnomAD v4.1: 45 of 1,613,636 alleles (0.0028%); highest among the groups gnomAD compares: South Asian, 0.0099%; no homozygotes.

Submissions (2):

Labcorp Genetics (formerly Invitae), Labcorp
Classification: Likely benign. Last evaluated: 2025-07-03. Review status: criteria provided, single submitter. Criteria: Invitae Variant Classification Sherloc (09022015). Collection method: clinical testing. Allele origin: germline.

PreventionGenetics, part of Exact Sciences
Classification: Likely benign for COL13A1-related condition. Last evaluated: 2019-10-28. Review status: no assertion criteria provided. Collection method: clinical testing. Allele origin: germline. Not counted in ClinVar's aggregate classification.
Comment: This variant is classified as likely benign based on ACMG/AMP sequence variant interpretation guidelines (Richards et al. 2015 PMID: 25741868, with internal and published modifications).